The following is an entry in ClinVar:

ClinVar aggregate classification (germline): Uncertain significance (1 of 4 stars; one submission).

Submission:

Ambry Genetics
Classification: Uncertain significance. Last evaluated: 2023-09-13. Review status: criteria provided, single submitter. Criteria: Ambry Variant Classification Scheme 2023. Collection method: clinical testing. Allele origin: germline.
Comment: The p.D495N variant (also known as c.1483G>A), located in coding exon 12 of the RECQL gene, results from a G to A substitution at nucleotide position 1483. The aspartic acid at codon 495 is replaced by asparagine, an amino acid with highly similar properties. This amino acid position is conserved. In addition, this alteration is predicted to be tolerated by in silico analysis. Since supporting evidence is limited at this time, the clinical significance of this alteration remains unclear.

NM_002907.4(RECQL):c.1483G>A (p.Asp495Asn)

Gene: RECQL (RecQ like helicase; minus strand). Cytogenetic location: 12p12.1.
Variant type: single nucleotide variant.
Coding change: c.1483G>A on transcript NM_002907.4 (MANE Select); coding-DNA position 1483, G replaced by A.
Protein change: p.Asp495Asn; replaces aspartic acid 495 with asparagine.
Molecular consequence: missense variant.
Genome position (GRCh38, 1-based): chr12:21,471,612, C>T on the plus strand (G>A on the coding strand, the complement: RECQL is on the minus strand). VCF-style: chr12-21471612-C-T. GRCh37 (hg19) VCF-style: chr12-21624546-C-T.
Other names: c.1483G>A, p.Asp495Asn (NM_032941.3); short protein forms D495N.
Identifiers: ClinVar variation 2586024 (VCV002586024.2), dbSNP rs6499, ClinGen allele CA384116321.